The following is an entry in ClinVar:

ClinVar aggregate classification (germline): Uncertain significance (1 of 4 stars; one submission).

Conditions:
Cardiovascular phenotype. Identifiers: MedGen CN230736.

Submission:

Ambry Genetics
Classification: Uncertain significance for Cardiovascular phenotype. Last evaluated: 2024-05-16. Review status: criteria provided, single submitter. Criteria: Ambry Variant Classification Scheme 2023. Collection method: clinical testing. Allele origin: germline.
Comment: The c.1549+2T>A intronic variant results from a T to A substitution two nucleotides after coding exon 9 in the FLNC gene. Alterations that disrupt the canonical splice site are expected to result in aberrant splicing. In silico splice site analysis predicts that this alteration will weaken the native splice donor site and will result in the creation or strengthening of a novel splice donor site. The resulting transcript is predicted to be in-frame and is not expected to trigger nonsense-mediated mRNAdecay; however, direct evidence is unavailable. The exact functional effect of the altered amino acid sequence is unknown. This nucleotide position is highly conserved in available vertebrate species. Since supporting evidence is limited at this time, the clinical significance of this alteration remains unclear.

NM_001458.5(FLNC):c.1549+2T>A

Gene: FLNC (filamin C; plus strand). Cytogenetic location: 7q32.1.
Variant type: single nucleotide variant.
Coding change: c.1549+2T>A on transcript NM_001458.5 (MANE Select); the canonical splice donor site of the intron after coding-DNA position 1549, T replaced by A.
Molecular consequence: splice donor variant.
Genome position (GRCh38, 1-based): chr7:128,840,162, T>A. VCF-style: chr7-128840162-T-A. GRCh37 (hg19) VCF-style: chr7-128480216-T-A.
Other names: c.1549+2T>A (NM_001127487.2).
Identifiers: ClinVar variation 2565512 (VCV002565512.3), dbSNP rs111806457, ClinGen allele CA166216216.